The following is an entry in ClinVar:

NM_015030.2(FRYL):c.5401+4T>C

Gene: FRYL (FRY like transcription coactivator; minus strand). Cytogenetic location: 4p11.
Variant type: single nucleotide variant.
Coding change: c.5401+4T>C on transcript NM_015030.2 (MANE Select); 4 bases into the intron after coding-DNA position 5401, T replaced by C.
Molecular consequence: intron variant.
Genome position (GRCh38, 1-based): chr4:48,544,779, A>G on the plus strand (T>C on the coding strand, the complement: FRYL is on the minus strand). VCF-style: chr4-48544779-A-G. GRCh37 (hg19) VCF-style: chr4-48546796-A-G.
Identifiers: ClinVar variation 770902 (VCV000770902.7), dbSNP rs78799039, ClinGen allele CA2914540.
Genomic context (GRCh38, chr4:48,544,779, plus strand): 5'-GCATTATCAGAAATTGACATCACATTAAAATGTCACTAAAACTAAAATATTTCTTAAAAG[A>G]TACCTGAGCTTGACTGCTTAAAAACAGAAACCACATGTTTCAAAAATGTAGTTAACTGTT-3'

ClinVar aggregate classification (germline): Benign. Review status: criteria provided, multiple submitters, no conflicts (2 of 4 stars). 3 submissions from 3 submitters: Benign (3). Last evaluated 2026-08-01.

Allele frequency attached by ClinVar (database versions not stated): 1000 Genomes Project 30x 0.00515; 1000 Genomes Project 0.00539; gnomAD 0.00840 and 0.00867; gnomAD exomes 0.00874 and 0.01195; ExAC 0.00903; ESP Exome Variant Server 0.00920; TOPMed 0.00920.
gnomAD v4.1: 18,206 of 1,574,890 alleles (1.2%); highest among the groups gnomAD compares: Non-Finnish European, 1.4%; 128 homozygotes.

Submissions (3):

CeGaT Center for Human Genetics Tuebingen
Classification: Benign. Last evaluated: 2026-08-01. Review status: criteria provided, single submitter. Criteria: CeGaT Center For Human Genetics Tuebingen Variant Classification Criteria Version 2. Collection method: clinical testing. Allele origin: germline. Affected: yes. Observed: 4 variant alleles.
Comment: FRYL: BP4, BS1, BS2

Labcorp Genetics (formerly Invitae), Labcorp
Classification: Benign. Last evaluated: 2019-12-31. Review status: criteria provided, single submitter. Criteria: Invitae Variant Classification Sherloc (09022015). Collection method: clinical testing. Allele origin: germline.

Breakthrough Genomics
Classification: Benign. Review status: criteria provided, single submitter. Criteria: ACMG Guidelines, 2015. Collection method: not provided. Allele origin: germline. Inheritance: Unknown mechanism. Affected: yes.